The following is an entry in ClinVar:

ClinVar aggregate classification (germline): Uncertain significance. Review status: criteria provided, multiple submitters, no conflicts (2 of 4 stars). 2 submissions from 2 submitters: Uncertain significance (2). Last evaluated 2022-08-22.

Conditions:
Inborn genetic diseases. Identifiers: MedGen C0950123, MeSH D030342.

Allele frequency attached by ClinVar (database versions not stated): gnomAD 0.00005; TOPMed 0.00007.
gnomAD v4.1: 17 of 1,551,252 alleles (0.0011%); highest among the groups gnomAD compares: Admixed American, 0.022%; no homozygotes.

Submissions (2):

Labcorp Genetics (formerly Invitae), Labcorp
Classification: Uncertain significance. Last evaluated: 2022-08-22. Review status: criteria provided, single submitter. Criteria: Invitae Variant Classification Sherloc (09022015). Collection method: clinical testing. Allele origin: germline.
Comment: This sequence change replaces threonine, which is neutral and polar, with alanine, which is neutral and non-polar, at codon 1765 of the EYS protein (p.Thr1765Ala). This variant is present in population databases (no rsID available, gnomAD 0.008%). This variant has not been reported in the literature in individuals affected with EYS-related conditions. Algorithms developed to predict the effect of missense changes on protein structure and function (SIFT, PolyPhen-2, Align-GVGD) all suggest that this variant is likely to be tolerated. In summary, the available evidence is currently insufficient to determine the role of this variant in disease. Therefore, it has been classified as a Variant of Uncertain Significance.

Ambry Genetics
Classification: Uncertain significance for Inborn genetic diseases. Last evaluated: 2021-06-22. Review status: criteria provided, single submitter. Criteria: Ambry Variant Classification Scheme 2023. Collection method: clinical testing. Allele origin: germline.

NM_001142800.2(EYS):c.5293A>G (p.Thr1765Ala)

Gene: EYS (eyes shut homolog; minus strand). Cytogenetic location: 6q12.
Variant type: single nucleotide variant.
Coding change: c.5293A>G on transcript NM_001142800.2 (MANE Select); coding-DNA position 5293, A replaced by G.
Protein change: p.Thr1765Ala; replaces threonine 1765 with alanine.
Molecular consequence: missense variant.
Genome position (GRCh38, 1-based): chr6:64,590,574, T>C on the plus strand (A>G on the coding strand, the complement: EYS is on the minus strand). VCF-style: chr6-64590574-T-C. GRCh37 (hg19) VCF-style: chr6-65300467-T-C.
Other names: c.5293A>G, p.Thr1765Ala (NM_001292009.2); c.5293A>G (NM_001142800.1); short protein forms T1765A.
Identifiers: ClinVar variation 2144681 (VCV002144681.2), dbSNP rs988238147, ClinGen allele CA140340891.